The following is an entry in ClinVar:

NM_206933.4(USH2A):c.2384G>A (p.Cys795Tyr)

Genes: USH2A (usherin; minus strand), LOC122152296 (Sharpr-MPRA regulatory region 8762; plus strand). Cytogenetic location: 1q41.
Variant type: single nucleotide variant.
Coding change: c.2384G>A on transcript NM_206933.4 (MANE Select); coding-DNA position 2384, G replaced by A.
Protein change: p.Cys795Tyr; replaces cysteine 795 with tyrosine.
Molecular consequence: missense variant.
Genome position (GRCh38, 1-based): chr1:216,247,010, C>T on the plus strand (G>A on the coding strand, the complement: USH2A is on the minus strand). VCF-style: chr1-216247010-C-T. GRCh37 (hg19) VCF-style: chr1-216420352-C-T.
Other names: c.2384G>A, p.Cys795Tyr (NM_007123.6); short protein forms C795Y.
Identifiers: ClinVar variation 424470 (VCV000424470.3), dbSNP rs776202248, ClinGen allele CA1396239.
Genomic context (GRCh38, chr1:216,247,010, plus strand): 5'-CACTGCCCTGTCTTAGCATTACAGACAGTCCCAGGGAGGGATCCAGCTGTGTCACAGTCA[C>T]AGGCCTTACAATTGGTGACATCTAACCCATAAAAGTTTTCTCTGCAGGTGTCACACTGAA-3'
Protein context (NP_996816.3, residues 785-805): YGLDVTNCKA[Cys795Tyr]DCDTAGSLPG

ClinVar aggregate classification (germline): Conflicting classifications of pathogenicity. Review status: criteria provided, conflicting classifications (1 of 4 stars). 2 submissions from 2 submitters: Likely pathogenic (1); Uncertain significance (1). Last evaluated 2025-09-24.

Allele frequency attached by ClinVar (database versions not stated): ExAC 0.00001.

Submissions (2):

Women's Health and Genetics/Laboratory Corporation of America, LabCorp
Classification: Uncertain significance. Last evaluated: 2025-09-24. Review status: criteria provided, single submitter. Criteria: LabCorp Variant Classification Summary - May 2015. Collection method: clinical testing. Allele origin: germline.
Comment: Variant summary: USH2A c.2384G>A (p.Cys795Tyr) results in a non-conservative amino acid change in the encoded protein sequence. Algorithms developed to predict the effect of missense changes on protein structure and function all suggest that this variant is likely to be disruptive. The variant was absent in 250888 control chromosomes. The available data on variant occurrences in the general population are insufficient to allow any conclusion about variant significance. c.2384G>A has been observed in at least one individual affected with Usher Syndrome or retinitis pigmentosa without specified genotype (e.g. Hufnagel_2021) . These report(s) do not provide unequivocal conclusions about association of the variant with Usher Syndrome. To our knowledge, no experimental evidence demonstrating an impact on protein function has been reported. The following publication has been ascertained in the context of this evaluation (PMID: 35266249). ClinVar contains an entry for this variant (Variation ID: 424470). Based on the evidence outlined above, the variant was classified as uncertain significance.

GeneDx
Classification: Likely pathogenic. Last evaluated: 2017-08-07. Review status: criteria provided, single submitter. Criteria: GeneDx Variant Classification (06012015). Collection method: clinical testing. Allele origin: germline. Affected: yes.
Comment: The C795Y variant in the USH2A gene has not been reported previously as a pathogenic variant, nor as a benign variant, to our knowledge. The C795Y variant is not observed at a significant frequency in large population cohorts (Lek et al., 2016; 1000 Genomes Consortium et al., 2015; Exome Variant Server). The C795Y variant is a non-conservative amino acid substitution, which is likely to impact secondary protein structure as these residues differ in polarity, charge, size and/or other properties. This substitution occurs at a position that is conserved across species. In silico analysis predicts this variant is probably damaging to the protein structure/function. We interpret C795Y as a likely pathogenic variant.

Literature cited by the submitters: PubMed 35266249 (cited by Women's Health and Genetics/Laboratory Corporation of America, LabCorp).